The following is an entry in ClinVar:

ClinVar aggregate classification (germline): Pathogenic. Review status: criteria provided, multiple submitters, no conflicts (2 of 4 stars). 2 submissions from 2 submitters: Pathogenic (2). Last evaluated 2026-09-01.

Conditions:
Tuberous sclerosis 1 (TSC1). Identifiers: Orphanet 805, MedGen C1854465, MONDO:0008612, OMIM 191100.
Hereditary cancer-predisposing syndrome. Also called: Hereditary Cancer Syndrome; Hereditary neoplastic syndrome; Neoplastic Syndromes, Hereditary; Tumor predisposition. Identifiers: Orphanet 140162, MedGen C0027672, MeSH D009386, MONDO:0015356.

Submissions (2):

Ambry Genetics
Classification: Pathogenic for Hereditary cancer-predisposing syndrome. Last evaluated: 2026-09-01. Review status: criteria provided, single submitter. Criteria: Ambry Variant Classification Scheme 2023. Collection method: clinical testing. Allele origin: germline.
Comment: The c.2401delG pathogenic mutation, located in coding exon 17 of the TSC1 gene, results from a deletion of one nucleotide at nucleotide position 2401, causing a translational frameshift with a predicted alternate stop codon (p.E801Rfs*6). This variant is considered to be rare based on population cohorts in the Genome Aggregation Database (gnomAD). This alteration is expected to result in loss of function by premature protein truncation or nonsense-mediated mRNA decay. As such, this alteration is interpreted as a disease-causing mutation.

Labcorp Genetics (formerly Invitae), Labcorp
Classification: Pathogenic for Tuberous sclerosis 1. Last evaluated: 2025-06-09. Review status: criteria provided, single submitter. Criteria: Invitae Variant Classification Sherloc (09022015). Collection method: clinical testing. Allele origin: germline.
Comment: This sequence change creates a premature translational stop signal (p.Glu801Argfs*6) in the TSC1 gene. It is expected to result in an absent or disrupted protein product. Loss-of-function variants in TSC1 are known to be pathogenic (PMID: 10227394, 17304050). This variant is not present in population databases (gnomAD no frequency). This variant has not been reported in the literature in individuals affected with TSC1-related conditions. For these reasons, this variant has been classified as Pathogenic.

Literature cited by the submitters: PubMed 10227394 (cited by Labcorp Genetics (formerly Invitae), Labcorp); PubMed 17304050 (cited by Labcorp Genetics (formerly Invitae), Labcorp).

NM_000368.5(TSC1):c.2401del (p.Glu801fs)

Gene: TSC1 (TSC complex subunit 1; minus strand). Cytogenetic location: 9q34.13.
Variant type: Deletion.
Coding change: c.2401del on transcript NM_000368.5 (MANE Select); coding-DNA position 2401, one base deleted (G; older notation c.2401delG).
Protein change: p.Glu801fs; shifts the reading frame from glutamic acid 801.
Molecular consequence: frameshift variant. On other transcripts: non-coding transcript variant (5).
Genome position (GRCh38, 1-based): chr9:132,901,690, C deleted on the plus strand (G on the coding strand, the reverse complement: TSC1 is on the minus strand); the first of 2 consecutive C bases (chr9:132,901,690-132,901,691); deleting either gives the same sequence. VCF-style (leftmost placement, unchanged base first): chr9-132901689-TC-T. GRCh37 (hg19) VCF-style: chr9-135777076-TC-T.
Other names: c.2248del, p.Glu750fs (NM_001162427.2, NM_001406610.1); c.2038del, p.Glu680fs (NM_001362177.2, NM_001406614.1, NM_001406615.1 and 5 more transcripts); c.2401del, p.Glu801fs (NM_001406592.1, NM_001406593.1, NM_001406594.1 and 5 more transcripts); c.2398del, p.Glu800fs (NM_001406597.1, NM_001406598.1, NM_001406599.1 and 4 more transcripts); c.2386del, p.Glu796fs (NM_001406601.1, NM_001406602.1); c.2383del, p.Glu795fs (NM_001406603.1, NM_001406604.1); c.2245del, p.Glu749fs (NM_001406611.1, NM_001406612.1, NM_001406613.1); c.2035del, p.Glu679fs (NM_001406620.1, NM_001406621.1, NM_001406622.1 and 2 more transcripts); and 4 more; short protein forms E450fs, E680fs, E800fs, E483fs, E679fs, E749fs, E796fs, E795fs.
Identifiers: ClinVar variation 4719826 (VCV004719826.2).
Genomic context (GRCh38, chr9:132,901,689, plus strand): 5'-ACCTTGTTGTTGGCCTTCTTCAGTTCTATCCGCAGCTCCGCAATCATGTTCCTGCAGTCC[TC>T]CAGCTTCGTCTGCCCAAAGAGACGTGGACATGAAGTTTGAGGAACACCAACAGGCCAGAT-3'